The following is an entry in ClinVar:

ClinVar aggregate classification (germline): Uncertain significance (1 of 4 stars; one submission).

Submission:

Labcorp Genetics (formerly Invitae), Labcorp
Classification: Uncertain significance. Last evaluated: 2023-07-22. Review status: criteria provided, single submitter. Criteria: Invitae Variant Classification Sherloc (09022015). Collection method: clinical testing. Allele origin: germline.
Comment: In summary, the available evidence is currently insufficient to determine the role of this variant in disease. Therefore, it has been classified as a Variant of Uncertain Significance. An algorithm developed to predict the effect of missense changes on protein structure and function (PolyPhen-2) suggests that this variant is likely to be tolerated. This variant has not been reported in the literature in individuals affected with ADAMTS17-related conditions. The frequency data for this variant in the population databases is considered unreliable, as metrics indicate insufficient coverage at this position in the gnomAD database. This sequence change replaces arginine, which is basic and polar, with histidine, which is basic and polar, at codon 44 of the ADAMTS17 protein (p.Arg44His).

NM_139057.4(ADAMTS17):c.131G>A (p.Arg44His)

Gene: ADAMTS17 (ADAM metallopeptidase with thrombospondin type 1 motif 17; minus strand). Cytogenetic location: 15q26.3.
Variant type: single nucleotide variant.
Coding change: c.131G>A on transcript NM_139057.4 (MANE Select); coding-DNA position 131, G replaced by A.
Protein change: p.Arg44His; replaces arginine 44 with histidine.
Molecular consequence: missense variant.
Genome position (GRCh38, 1-based): chr15:100,341,358, C>T on the plus strand (G>A on the coding strand, the complement: ADAMTS17 is on the minus strand). VCF-style: chr15-100341358-C-T. GRCh37 (hg19) VCF-style: chr15-100881563-C-T.
Other names: short protein forms R44H.
Identifiers: ClinVar variation 2986144 (VCV002986144.3), dbSNP rs1191346205, ClinGen allele CA394525658.